The following is an entry in ClinVar:

ClinVar aggregate classification (germline): Uncertain significance (1 of 4 stars; one submission).

Submission:

Labcorp Genetics (formerly Invitae), Labcorp
Classification: Uncertain significance. Last evaluated: 2020-10-06. Review status: criteria provided, single submitter. Criteria: Invitae Variant Classification Sherloc (09022015). Collection method: clinical testing. Allele origin: germline.
Comment: This sequence change replaces leucine with phenylalanine at codon 228 of the HOXB13 protein (p.Leu228Phe). The leucine residue is highly conserved and there is a small physicochemical difference between leucine and phenylalanine. In summary, the available evidence is currently insufficient to determine the role of this variant in disease. Therefore, it has been classified as a Variant of Uncertain Significance. Algorithms developed to predict the effect of missense changes on protein structure and function are either unavailable or do not agree on the potential impact of this missense change (SIFT: "Tolerated"; PolyPhen-2: "Probably Damaging"; Align-GVGD: "Class C0"). This variant has not been reported in the literature in individuals with HOXB13-related conditions. This variant is not present in population databases (ExAC no frequency).

NM_006361.6(HOXB13):c.684G>T (p.Leu228Phe)

Gene: HOXB13 (homeobox B13; minus strand). Cytogenetic location: 17q21.32.
Variant type: single nucleotide variant.
Coding change: c.684G>T on transcript NM_006361.6 (MANE Select); coding-DNA position 684, G replaced by T.
Protein change: p.Leu228Phe; replaces leucine 228 with phenylalanine.
Molecular consequence: missense variant.
Genome position (GRCh38, 1-based): chr17:48,726,961, C>A on the plus strand (G>T on the coding strand, the complement: HOXB13 is on the minus strand). VCF-style: chr17-48726961-C-A. GRCh37 (hg19) VCF-style: chr17-46804323-C-A.
Other names: short protein forms L228F.
Identifiers: ClinVar variation 1003744 (VCV001003744.8), dbSNP rs2038218044, ClinGen allele CA400106637.